The following is an entry in ClinVar:

ClinVar aggregate classification (germline): Uncertain significance. Review status: criteria provided, multiple submitters, no conflicts (2 of 4 stars). 3 submissions from 3 submitters: Uncertain significance (3). Last evaluated 2024-05-30.

Conditions:
Inborn genetic diseases. Identifiers: MedGen C0950123, MeSH D030342.

Allele frequency attached by ClinVar (database versions not stated): TOPMed below 0.00001; gnomAD 0.00001; gnomAD exomes 0.00001; ExAC 0.00002.
gnomAD v4.1: 20 of 1,613,184 alleles (0.0012%); highest among the groups gnomAD compares: East Asian, 0.0045%; no homozygotes.

Submissions (3):

GeneDx
Classification: Uncertain significance. Last evaluated: 2024-05-30. Review status: criteria provided, single submitter. Criteria: GeneDx Variant Classification Process June 2021. Collection method: clinical testing. Allele origin: germline. Affected: yes.
Comment: Not observed at significant frequency in large population cohorts (gnomAD); In silico analysis supports that this missense variant has a deleterious effect on protein structure/function; Has not been previously published as pathogenic or benign to our knowledge

Ambry Genetics
Classification: Uncertain significance for Inborn genetic diseases. Last evaluated: 2023-08-15. Review status: criteria provided, single submitter. Criteria: Ambry Variant Classification Scheme 2023. Collection method: clinical testing. Allele origin: germline.

Labcorp Genetics (formerly Invitae), Labcorp
Classification: Uncertain significance. Last evaluated: 2023-04-07. Review status: criteria provided, single submitter. Criteria: Invitae Variant Classification Sherloc (09022015). Collection method: clinical testing. Allele origin: germline.
Comment: In summary, the available evidence is currently insufficient to determine the role of this variant in disease. Therefore, it has been classified as a Variant of Uncertain Significance. Algorithms developed to predict the effect of missense changes on protein structure and function output the following: SIFT: "Not Available"; PolyPhen-2: "Benign"; Align-GVGD: "Not Available". The leucine amino acid residue is found in multiple mammalian species, which suggests that this missense change does not adversely affect protein function. This variant has not been reported in the literature in individuals affected with NDUFAF4-related conditions. This variant is present in population databases (rs759738302, gnomAD 0.006%). This sequence change replaces proline, which is neutral and non-polar, with leucine, which is neutral and non-polar, at codon 96 of the NDUFAF4 protein (p.Pro96Leu).

NM_014165.4(NDUFAF4):c.287C>T (p.Pro96Leu)

Gene: NDUFAF4 (NADH:ubiquinone oxidoreductase complex assembly factor 4; minus strand). Cytogenetic location: 6q16.1.
Variant type: single nucleotide variant.
Coding change: c.287C>T on transcript NM_014165.4 (MANE Select); coding-DNA position 287, C replaced by T.
Protein change: p.Pro96Leu; replaces proline 96 with leucine.
Molecular consequence: missense variant.
Genome position (GRCh38, 1-based): chr6:96,891,345, G>A on the plus strand (C>T on the coding strand, the complement: NDUFAF4 is on the minus strand). VCF-style: chr6-96891345-G-A. GRCh37 (hg19) VCF-style: chr6-97339221-G-A.
Other names: c.287C>T (NM_014165.2); short protein forms P96L.
Identifiers: ClinVar variation 2618792 (VCV002618792.4), dbSNP rs759738302, ClinGen allele CA3931405.
Genomic context (GRCh38, chr6:96,891,345, plus strand): 5'-ATGGAAATTTTGCCTTTGGGAATGCTCTTAATATTTATCATATCAAAATGATGGTCTTTC[G>A]GCAATCTGAATTCCTTCGGCTCTTGACATGTTTCAGCAGCTTTTACCTAGTATCAAAAAA-3'
Protein context (NP_054884.1, residues 86-106): TCQEPKEFRL[Pro96Leu]KDHHFDMINI